The following is an entry in ClinVar:

ClinVar aggregate classification (germline): Uncertain significance (1 of 4 stars; one submission).

Conditions:
Combined oxidative phosphorylation defect type 17. Also called: Combined oxidative phosphorylation deficiency 17. Identifiers: Orphanet 369913, MedGen C3809526, MONDO:0014190, OMIM 615440.

Submission:

Labcorp Genetics (formerly Invitae), Labcorp
Classification: Uncertain significance for Combined oxidative phosphorylation defect type 17. Last evaluated: 2022-02-21. Review status: criteria provided, single submitter. Criteria: Invitae Variant Classification Sherloc (09022015). Collection method: clinical testing. Allele origin: germline.
Comment: In summary, the available evidence is currently insufficient to determine the role of this variant in disease. Therefore, it has been classified as a Variant of Uncertain Significance. Algorithms developed to predict the effect of missense changes on protein structure and function are either unavailable or do not agree on the potential impact of this missense change (SIFT: "Tolerated"; PolyPhen-2: "Possibly Damaging"; Align-GVGD: "Class C0"). This variant has not been reported in the literature in individuals affected with ELAC2-related conditions. This variant is not present in population databases (gnomAD no frequency). This sequence change replaces alanine, which is neutral and non-polar, with aspartic acid, which is acidic and polar, at codon 164 of the ELAC2 protein (p.Ala164Asp).

NM_018127.7(ELAC2):c.491C>A (p.Ala164Asp)

Gene: ELAC2 (elaC ribonuclease Z 2; minus strand). Cytogenetic location: 17p12.
Variant type: single nucleotide variant.
Coding change: c.491C>A on transcript NM_018127.7 (MANE Select); coding-DNA position 491, C replaced by A.
Protein change: p.Ala164Asp; replaces alanine 164 with aspartic acid.
Molecular consequence: missense variant.
Genome position (GRCh38, 1-based): chr17:13,013,275, G>T on the plus strand (C>A on the coding strand, the complement: ELAC2 is on the minus strand). VCF-style: chr17-13013275-G-T. GRCh37 (hg19) VCF-style: chr17-12916592-G-T.
Other names: c.491C>A, p.Ala164Asp (NM_001165962.2, NM_173717.2); short protein forms A164D.
Identifiers: ClinVar variation 2101150 (VCV002101150.4), dbSNP rs2508366412, ClinGen allele CA398217805.